The following is an entry in ClinVar:

NM_000179.3(MSH6):c.865G>A (p.Gly289Ser)

Gene: MSH6 (mutS homolog 6; plus strand). Cytogenetic location: 2p16.3.
Variant type: single nucleotide variant.
Coding change: c.865G>A on transcript NM_000179.3 (MANE Select); coding-DNA position 865, G replaced by A.
Protein change: p.Gly289Ser; replaces glycine 289 with serine.
Molecular consequence: missense variant. On other transcripts: 5 prime UTR variant (9), non-coding transcript variant (4), intron variant (1).
Genome position (GRCh38, 1-based): chr2:47,798,848, G>A. VCF-style: chr2-47798848-G-A. GRCh37 (hg19) VCF-style: chr2-48025987-G-A.
Other names: c.961G>A, p.Gly321Ser (NM_001406795.1, NM_001406802.1); c.865G>A, p.Gly289Ser (NM_001406798.1, NM_001406800.1, NM_001406796.1 and 4 more transcripts); c.340G>A, p.Gly114Ser (NM_001406799.1, NM_001406806.1, NM_001406807.1); c.568G>A, p.Gly190Ser (NM_001406801.1, NM_001406797.1, NM_001406805.1 and 10 more transcripts); c.475G>A, p.Gly159Ser (NM_001281492.2); c.-42G>A (NM_001281493.2, NM_001281494.2, NM_001406811.1 and 6 more transcripts); c.787G>A, p.Gly263Ser (NM_001406804.1); c.871G>A, p.Gly291Ser (NM_001406813.1); and 2 more; short protein forms G190S, G289S, G114S, G159S, G263S, G233S, G291S, G321S.
Identifiers: ClinVar variation 2587335 (VCV002587335.2), dbSNP rs1669264133, ClinGen allele CA346740611.

ClinVar aggregate classification (germline): Uncertain significance (1 of 4 stars; one submission).

Conditions:
Hereditary cancer-predisposing syndrome. Also called: Tumor predisposition; Hereditary Cancer Syndrome; Hereditary neoplastic syndrome; Neoplastic Syndromes, Hereditary. Identifiers: Orphanet 140162, MedGen C0027672, MeSH D009386, MONDO:0015356.

Submission:

Ambry Genetics
Classification: Uncertain significance for Hereditary cancer-predisposing syndrome. Last evaluated: 2023-07-24. Review status: criteria provided, single submitter. Criteria: Ambry Variant Classification Scheme 2023. Collection method: clinical testing. Allele origin: germline.
Comment: The p.G289S variant (also known as c.865G>A), located in coding exon 4 of the MSH6 gene, results from a G to A substitution at nucleotide position 865. The glycine at codon 289 is replaced by serine, an amino acid with similar properties. This amino acid position is conserved. In addition, this alteration is predicted to be tolerated by in silico analysis. Since supporting evidence is limited at this time, the clinical significance of this alteration remains unclear.